The following is an entry in ClinVar:

ClinVar aggregate classification (germline): Conflicting classifications of pathogenicity. Review status: criteria provided, conflicting classifications (1 of 4 stars). 19 submissions from 19 submitters: Uncertain significance (1); Benign (5); Likely benign (10). 3 of the submissions do not count toward it. Last evaluated 2026-09-01.

Conditions:
POLG-related disorder. Also called: POLG-related condition; POLG-Related Disorders; POLG-Related Spectrum Disorders. Identifiers: MedGen C4763519.
Inborn genetic diseases. Identifiers: MedGen C0950123, MeSH D030342.
Hereditary spastic paraplegia. Also called: Familial spastic paraparesis. Identifiers: Orphanet 685, MedGen C0037773, MONDO:0019064. Disease mechanism: loss of function.
Progressive sclerosing poliodystrophy (MTDPS4A). Also called: Alpers-Huttenlocher Syndrome (AHS); NEURONAL DEGENERATION OF CHILDHOOD WITH LIVER DISEASE, PROGRESSIVE; ALPERS PROGRESSIVE INFANTILE POLIODYSTROPHY; Alpers Syndrome; Alpers-Huttenlocher Syndrome; ALPERS DIFFUSE DEGENERATION OF CEREBRAL GRAY MATTER WITH HEPATIC CIRRHOSIS. Identifiers: Orphanet 726, MedGen C0205710, MONDO:0008758, OMIM 203700.

Allele frequency attached by ClinVar (database versions not stated): 1000 Genomes Project 30x 0.00078; 1000 Genomes Project 0.00080; TOPMed 0.00124; ESP Exome Variant Server 0.00177.
gnomAD v4.1: 2,916 of 1,612,662 alleles (0.18%); highest among the groups gnomAD compares: Middle Eastern, 0.76%; 12 homozygotes.

Submissions (19):

CeGaT Center for Human Genetics Tuebingen
Classification: Likely benign. Last evaluated: 2026-09-01. Review status: criteria provided, single submitter. Criteria: CeGaT Center For Human Genetics Tuebingen Variant Classification Criteria Version 2. Collection method: clinical testing. Allele origin: germline. Affected: yes. Observed: 42 variant alleles.
Comment: POLG: BP4, BP7

Labcorp Genetics (formerly Invitae), Labcorp
Classification: Benign for Progressive sclerosing poliodystrophy. Last evaluated: 2026-02-01. Review status: criteria provided, single submitter. Criteria: Invitae Variant Classification Sherloc (09022015). Collection method: clinical testing. Allele origin: germline.

Mayo Clinic Laboratories, Mayo Clinic
Classification: Likely benign. Last evaluated: 2025-09-30. Review status: criteria provided, single submitter. Criteria: ACMG Guidelines, 2015. Collection method: clinical testing. Allele origin: germline. Observed: 27 variant alleles.
Comment: BS2, BP4, BP7

Athena Diagnostics
Classification: Benign. Last evaluated: 2025-04-24. Review status: criteria provided, single submitter. Criteria: Athena Diagnostics Criteria. Collection method: clinical testing. Allele origin: unknown.
Comment: The frequency of this variant in the general population is higher than would generally be expected for pathogenic variants in this gene. Computational tools yielded predictions that this variant is unlikely to have an effect on normal RNA splicing. This variant has been seen where an alternate explanation for disease was also identified.

Blueprint Genetics
Classification: Likely benign. Last evaluated: 2024-11-08. Review status: criteria provided, single submitter. Criteria: ACMG Guidelines, 2015. Collection method: clinical testing. Allele origin: germline.

Women's Health and Genetics/Laboratory Corporation of America, LabCorp
Classification: Likely benign. Last evaluated: 2023-09-20. Review status: criteria provided, single submitter. Criteria: LabCorp Variant Classification Summary - May 2015. Collection method: clinical testing. Allele origin: germline.

Ambry Genetics
Classification: Likely benign for Inborn genetic diseases. Last evaluated: 2021-11-11. Review status: criteria provided, single submitter. Criteria: Ambry Variant Classification Scheme 2023. Collection method: clinical testing. Allele origin: germline.

Genome Diagnostics Laboratory, The Hospital for Sick Children
Classification: Likely benign for Hereditary spastic paraplegia. Last evaluated: 2021-07-09. Review status: criteria provided, single submitter. Criteria: ACMG Guidelines, 2015. Collection method: clinical testing. Allele origin: germline. Affected: yes.

Wong Mito Lab, Molecular and Human Genetics, Baylor College of Medicine
Classification: Benign for Progressive sclerosing poliodystrophy. Last evaluated: 2018-10-01. Review status: criteria provided, single submitter. Criteria: ACMG Guidelines, 2015. Collection method: clinical testing. Allele origin: germline.
Comment: The NM_002693.2:c.264C>T (NP_002684.1:p.Phe88=) [GRCH38: NC_000015.10:g.89333491G>A] variant in POLG gene is interpretated to be a Benign based on ACMG guidelines (PMID: 25741868). This variant meets the following evidence codes reported in the ACMG-guideline. BS1:The minor allele frequency of this allele is high for Mitochondrial DNA depletion syndrome 4A (Alpers type). BS2:Observation of the variant in controls is inconsistent with penetrance of Mitochondrial DNA depletion syndrome 4A (Alpers type). BP4:Computational evidence/predictors indicate no impact on the POLG structure, function, or protein-protein interaction. Based on the evidence criteria codes applied, the variant is suggested to be Benign.

Illumina Laboratory Services, Illumina
Classification: Uncertain significance for POLG-Related Spectrum Disorders. Last evaluated: 2017-04-27. Review status: criteria provided, single submitter. Criteria: ICSL Variant Classification Criteria 13 December 2019. Collection method: clinical testing. Allele origin: germline.
Comment: This variant was observed as part of a predisposition screen in an ostensibly healthy population. A literature search was performed for the gene, cDNA change, and amino acid change (where applicable). Publications were found based on this search. However, the evidence from the literature, in combination with allele frequency data from public databases where available, was not sufficient to rule this variant in or out of causing disease. Therefore, this variant is classified as a variant of unknown significance.

Eurofins Ntd Llc (ga)
Classification: Likely benign. Last evaluated: 2016-11-29. Review status: criteria provided, single submitter. Criteria: EGL Classification Definitions 2015. Collection method: clinical testing. Allele origin: germline. Observed: 2 variant alleles, 2 heterozygotes.

Center for Pediatric Genomic Medicine, Children's Mercy Hospital and Clinics
Classification: Likely benign. Last evaluated: 2016-11-22. Review status: criteria provided, single submitter. Criteria: ACMG Guidelines, 2015. Collection method: clinical testing. Allele origin: germline.
ClinVar note: Converted during submission from Likely Benign to Likely benign.

Genomic Diagnostic Laboratory, Division of Genomic Diagnostics, Children's Hospital of Philadelphia
Classification: Benign. Last evaluated: 2015-02-19. Review status: criteria provided, single submitter. Criteria: DGD Variant Analysis Guidelines. Collection method: clinical testing. Allele origin: unknown.

Genetic Services Laboratory, University of Chicago
Classification: Likely benign for AllHighlyPenetrant. Last evaluated: 2014-03-24. Review status: criteria provided, single submitter. Criteria: ACMG Guidelines, 2007. Collection method: clinical testing. Allele origin: germline. Inheritance: Autosomal recessive inheritance.

GeneDx
Classification: Benign. Last evaluated: 2013-03-25. Review status: criteria provided, single submitter. Criteria: GeneDx Variant Classification (06012015). Collection method: clinical testing. Allele origin: germline. Affected: yes.
Comment: This variant is considered likely benign or benign based on one or more of the following criteria: it is a conservative change, it occurs at a poorly conserved position in the protein, it is predicted to be benign by multiple in silico algorithms, and/or has population frequency not consistent with disease.

PreventionGenetics, part of Exact Sciences
Classification: Likely benign. Review status: criteria provided, single submitter. Criteria: ACMG Guidelines, 2015. Collection method: clinical testing. Allele origin: germline.

Clinical Genetics DNA and cytogenetics Diagnostics Lab, Erasmus MC, Erasmus Medical Center
Classification: Likely benign. Review status: no assertion criteria provided. Collection method: clinical testing. Allele origin: germline. Affected: yes. Study: VKGL Data-share Consensus. Not counted in ClinVar's aggregate classification.

Diagnostic Laboratory, Department of Genetics, University Medical Center Groningen
Classification: Likely benign. Review status: no assertion criteria provided. Collection method: clinical testing. Allele origin: germline. Affected: yes. Study: VKGL Data-share Consensus. Not counted in ClinVar's aggregate classification.

Genome Diagnostics Laboratory, University Medical Center Utrecht
Classification: Likely benign. Review status: no assertion criteria provided. Collection method: clinical testing. Allele origin: germline. Affected: yes. Study: VKGL Data-share Consensus. Not counted in ClinVar's aggregate classification.

Literature cited by the submitters: PubMed 28776642 (cited by Mayo Clinic Laboratories, Mayo Clinic and Athena Diagnostics); PubMed 21880868 (cited by Illumina Laboratory Services, Illumina).

NM_002693.3(POLG):c.264C>T (p.Phe88=)

Genes: POLG (DNA polymerase gamma, catalytic subunit; minus strand), POLGARF (POLG alternative reading frame; minus strand). Cytogenetic location: 15q26.1.
Variant type: single nucleotide variant.
Coding change: c.264C>T on transcript NM_002693.3 (MANE Select); coding-DNA position 264, C replaced by T.
Protein change: p.Phe88=; no amino-acid change (phenylalanine 88 retained).
Molecular consequence: synonymous variant.
Genome position (GRCh38, 1-based): chr15:89,333,491, G>A on the plus strand (C>T on the coding strand, the complement: POLG is on the minus strand). VCF-style: chr15-89333491-G-A. GRCh37 (hg19) VCF-style: chr15-89876722-G-A.
Other names: p.F88F:TTC>TTT; p.Phe88=; c.264C>T, p.Phe88= (NM_001126131.2).
Identifiers: ClinVar variation 129992 (VCV000129992.77), dbSNP rs144439703, ClinGen allele CA288984.
Genomic context (GRCh38, chr15:89,333,491, plus strand): 5'-CTGCAGGTGCTCGACGCTGCGGCGCACCGCGGCCTCGCCAGGCATCTCCCCTCCTTGCCC[G>A]AAGATTTGCTCGTGCAGCCCTCTCGAGAGCATCTGGATGTCCAATGGGTTGTGCCGCAGC-3'
Protein context (NP_002684.1, residues 78-98): MLSRGLHEQI[Phe88=]GQGGEMPGEA